The following is an entry in ClinVar:

ClinVar aggregate classification (germline): Uncertain significance. Review status: criteria provided, multiple submitters, no conflicts (2 of 4 stars). 2 submissions from 2 submitters: Uncertain significance (2). Last evaluated 2025-05-11.

Conditions:
Arrhythmogenic right ventricular dysplasia 10. Also called: Arrhythmogenic Right Ventricular Dysplasia/Cardiomyopathy10; ARRHYTHMOGENIC RIGHT VENTRICULAR DYSPLASIA, FAMILIAL, 10; Arrhythmogenic right ventricular dysplasia/cardiomyopathy, type 10. Identifiers: MedGen C1857777, MONDO:0012434, OMIM 610193.
Cardiomyopathy (CMYO). Also called: Cardiomyopathies. Identifiers: Orphanet 167848, MedGen C0878544, MONDO:0004994, HP:0001638. Inheritance: Various modes of inheritance.

Allele frequency attached by ClinVar (database versions not stated): gnomAD exomes below 0.00001; ExAC 0.00001.
gnomAD v4.1: 1 of 1,614,006 alleles (0.000062%); highest among the groups gnomAD compares: Non-Finnish European, 0.000085%; no homozygotes.

Submissions (2):

Labcorp Genetics (formerly Invitae), Labcorp
Classification: Uncertain significance for Arrhythmogenic right ventricular dysplasia 10. Last evaluated: 2025-05-11. Review status: criteria provided, single submitter. Criteria: Invitae Variant Classification Sherloc (09022015). Collection method: clinical testing. Allele origin: germline.
Comment: This sequence change replaces valine, which is neutral and non-polar, with alanine, which is neutral and non-polar, at codon 340 of the DSG2 protein (p.Val340Ala). This variant is present in population databases (rs766760971, gnomAD 0.0009%). This variant has not been reported in the literature in individuals affected with DSG2-related conditions. ClinVar contains an entry for this variant (Variation ID: 921111). Invitae Evidence Modeling of protein sequence and biophysical properties (such as structural, functional, and spatial information, amino acid conservation, physicochemical variation, residue mobility, and thermodynamic stability) has been performed for this missense variant. However, the output from this modeling did not meet the statistical confidence thresholds required to predict the impact of this variant on DSG2 protein function. In summary, the available evidence is currently insufficient to determine the role of this variant in disease. Therefore, it has been classified as a Variant of Uncertain Significance.

Color Diagnostics, LLC DBA Color Health
Classification: Uncertain significance for Cardiomyopathy. Last evaluated: 2024-03-06. Review status: criteria provided, single submitter. Criteria: ACMG Guidelines, 2015. Collection method: clinical testing. Allele origin: germline.
Comment: This missense variant replaces valine with alanine at codon 340 of the DSG2 protein. Computational prediction suggests that this variant may not impact protein structure and function (internally defined REVEL score threshold <= 0.5, PMID: 27666373). Splice site prediction tools suggest that this variant may not impact RNA splicing. To our knowledge, functional studies have not been reported for this variant. This variant has not been reported in individuals affected with cardiovascular disorders in the literature. This variant has been identified in 1/249082 chromosomes in the general population by the Genome Aggregation Database (gnomAD). The available evidence is insufficient to determine the role of this variant in disease conclusively. Therefore, this variant is classified as a Variant of Uncertain Significance.

NM_001943.5(DSG2):c.1019T>C (p.Val340Ala)

Gene: DSG2 (desmoglein 2; plus strand). Cytogenetic location: 18q12.1.
Variant type: single nucleotide variant.
Coding change: c.1019T>C on transcript NM_001943.5 (MANE Select); coding-DNA position 1019, T replaced by C.
Protein change: p.Val340Ala; replaces valine 340 with alanine.
Molecular consequence: missense variant.
Genome position (GRCh38, 1-based): chr18:31,530,991, T>C. VCF-style: chr18-31530991-T-C. GRCh37 (hg19) VCF-style: chr18-29110954-T-C.
Other names: short protein forms V340A.
Identifiers: ClinVar variation 921111 (VCV000921111.5), dbSNP rs766760971, ClinGen allele CA041240.